The following is an entry in ClinVar:

ClinVar aggregate classification (germline): Uncertain significance. Review status: criteria provided, multiple submitters, no conflicts (2 of 4 stars). 2 submissions from 2 submitters: Uncertain significance (2). Last evaluated 2026-09-01.

gnomAD v4.1: 32 of 1,613,512 alleles (0.002%); highest among the groups gnomAD compares: South Asian, 0.033%; no homozygotes.

Submissions (2):

CeGaT Center for Human Genetics Tuebingen
Classification: Uncertain significance. Last evaluated: 2026-09-01. Review status: criteria provided, single submitter. Criteria: CeGaT Center For Human Genetics Tuebingen Variant Classification Criteria Version 2. Collection method: clinical testing. Allele origin: germline. Affected: yes. Observed: 1 variant allele.
Comment: EPS8L2: PM2, BP4

Ambry Genetics
Classification: Uncertain significance. Last evaluated: 2025-11-26. Review status: criteria provided, single submitter. Criteria: Ambry Variant Classification Scheme 2023. Collection method: clinical testing. Allele origin: germline.

NM_022772.4(EPS8L2):c.1479G>A (p.Met493Ile)

Gene: EPS8L2 (EPS8 signaling adaptor L2; plus strand). Cytogenetic location: 11p15.5.
Variant type: single nucleotide variant.
Coding change: c.1479G>A on transcript NM_022772.4 (MANE Select); coding-DNA position 1479, G replaced by A.
Protein change: p.Met493Ile; replaces methionine 493 with isoleucine.
Molecular consequence: missense variant.
Genome position (GRCh38, 1-based): chr11:724,748, G>A. VCF-style: chr11-724748-G-A. GRCh37 (hg19) VCF-style: chr11-724748-G-A.
Other names: c.1479G>A, p.Met493Ile (NM_001441192.1, NM_001441193.1); c.942G>A, p.Met314Ile (NM_001441194.1); short protein forms M314I, M493I.
Identifiers: ClinVar variation 4664969 (VCV004664969.2).
Genomic context (GRCh38, chr11:724,748, plus strand): 5'-ACCAGACTGGGCCTCAGCCCCTCCTGTTCCTCACAGGGGCTACCAGCCAACACCAGCCAT[G>A]GCCAAGTACGTCAAGATCCTGTATGACTTCACAGCCCGAAATGCCAACGAGCTATCGGTG-3'
Protein context (NP_073609.2, residues 483-503): THRGYQPTPA[Met493Ile]AKYVKILYDF